The following is an entry in ClinVar:

NM_181552.4(CUX1):c.4402G>A (p.Ala1468Thr)

Gene: CUX1 (cut like homeobox 1; plus strand). Cytogenetic location: 7q22.1.
Variant type: single nucleotide variant.
Coding change: c.4402G>A on transcript NM_181552.4 (MANE Select); coding-DNA position 4402, G replaced by A.
Protein change: p.Ala1468Thr; replaces alanine 1468 with threonine.
Molecular consequence: missense variant. On other transcripts: intron variant (5).
Genome position (GRCh38, 1-based): chr7:102,248,926, G>A. VCF-style: chr7-102248926-G-A. GRCh37 (hg19) VCF-style: chr7-101892206-G-A.
Other names: c.4435G>A, p.Ala1479Thr (NM_001202543.2); c.1256-24440G>A (NM_001913.5); c.1250-24440G>A (NM_181500.4); c.1118-24440G>A (NM_001202545.3); c.1208-24440G>A (NM_001202544.3); c.1139-24440G>A (NM_001202546.3); short protein forms A1468T, A1479T.
Identifiers: ClinVar variation 2429526 (VCV002429526.2), dbSNP rs2132626701, ClinGen allele CA368670019.

ClinVar aggregate classification (germline): Uncertain significance (1 of 4 stars; one submission).

Conditions:
Global developmental delay with or without impaired intellectual development. Identifiers: MedGen C5193032, MONDO:0032680, OMIM 618330.

gnomAD v4.1: 1 of 1,468,032 alleles (0.000068%); highest among the groups gnomAD compares: South Asian, 0.0013%; no homozygotes.

Submission:

GeneDx
Classification: Uncertain significance. Last evaluated: 2022-08-12. Review status: criteria provided, single submitter. Criteria: GeneDx Variant Classification Process June 2021. Collection method: clinical testing. Allele origin: germline. Affected: yes.
Comment: Not observed at significant frequency in large population cohorts (gnomAD); In silico analysis supports that this missense variant does not alter protein structure/function; Has not been previously published as pathogenic or benign to our knowledge